The following is an entry in ClinVar:

ClinVar aggregate classification (germline): Uncertain significance. Review status: criteria provided, multiple submitters, no conflicts (2 of 4 stars). 2 submissions from 2 submitters: Uncertain significance (2). Last evaluated 2025-07-11.

Conditions:
Osteogenesis imperfecta type I (OI1). Also called: OI, TYPE I; OSTEOGENESIS IMPERFECTA TARDA; OSTEOGENESIS IMPERFECTA WITH BLUE SCLERAE; Lobstein's Disease; Classic Non-deforming Osteogenesis Imperfecta with Blue Sclerae; Lobstein disease. Identifiers: Orphanet 216796, Orphanet 666, MedGen C0023931, MONDO:0008146, OMIM 166200. Disease mechanism: loss of function.
Cardiovascular phenotype. Identifiers: MedGen CN230736.

Allele frequency attached by ClinVar (database versions not stated): gnomAD exomes below 0.00001.
gnomAD v4.1: 6 of 1,612,786 alleles (0.00037%); highest among the groups gnomAD compares: South Asian, 0.0055%; no homozygotes.

Submissions (2):

Labcorp Genetics (formerly Invitae), Labcorp
Classification: Uncertain significance for Osteogenesis imperfecta type I. Last evaluated: 2025-07-11. Review status: criteria provided, single submitter. Criteria: Invitae Variant Classification Sherloc (09022015). Collection method: clinical testing. Allele origin: germline.
Comment: This sequence change replaces alanine, which is neutral and non-polar, with valine, which is neutral and non-polar, at codon 795 of the COL1A1 protein (p.Ala795Val). This variant is present in population databases (no rsID available, gnomAD 0.01%). This variant has not been reported in the literature in individuals affected with COL1A1-related conditions. ClinVar contains an entry for this variant (Variation ID: 1790472). Invitae Evidence Modeling of protein sequence and biophysical properties (such as structural, functional, and spatial information, amino acid conservation, physicochemical variation, residue mobility, and thermodynamic stability) has been performed for this missense variant. However, the output from this modeling did not meet the statistical confidence thresholds required to predict the impact of this variant on COL1A1 protein function. In summary, the available evidence is currently insufficient to determine the role of this variant in disease. Therefore, it has been classified as a Variant of Uncertain Significance.

Ambry Genetics
Classification: Uncertain significance for Cardiovascular phenotype. Last evaluated: 2020-02-12. Review status: criteria provided, single submitter. Criteria: Ambry Variant Classification Scheme 2023. Collection method: clinical testing. Allele origin: germline.
Comment: The p.A795V variant (also known as c.2384C>T), located in coding exon 34 of the COL1A1 gene, results from a C to T substitution at nucleotide position 2384. The alanine at codon 795 is replaced by valine, an amino acid with similar properties. This amino acid position is not well conserved in available vertebrate species. In addition, the in silico prediction for this alteration is inconclusive. Since supporting evidence is limited at this time, the clinical significance of this alteration remains unclear.

NM_000088.4(COL1A1):c.2384C>T (p.Ala795Val)

Gene: COL1A1 (collagen type I alpha 1 chain; minus strand). Cytogenetic location: 17q21.33.
Variant type: single nucleotide variant.
Coding change: c.2384C>T on transcript NM_000088.4 (MANE Select); coding-DNA position 2384, C replaced by T.
Protein change: p.Ala795Val; replaces alanine 795 with valine.
Molecular consequence: missense variant.
Genome position (GRCh38, 1-based): chr17:50,190,556, G>A on the plus strand (C>T on the coding strand, the complement: COL1A1 is on the minus strand). VCF-style: chr17-50190556-G-A. GRCh37 (hg19) VCF-style: chr17-48267917-G-A.
Other names: short protein forms A795V.
Identifiers: ClinVar variation 1790472 (VCV001790472.3), dbSNP rs1399479679, ClinGen allele CA400208080.